The following is an entry in ClinVar:

NM_001161352.2(KCNMA1):c.2838G>A (p.Ala946=)

Genes: KCNMA1 (potassium calcium-activated channel subfamily M alpha 1; minus strand), KCNMA1-AS1 (KCNMA1 antisense RNA 1; plus strand). Cytogenetic location: 10q22.3.
Variant type: single nucleotide variant.
Coding change: c.2838G>A on transcript NM_001161352.2 (MANE Select); coding-DNA position 2838, G replaced by A.
Protein change: p.Ala946=; no amino-acid change (alanine 946 retained).
Molecular consequence: synonymous variant.
Genome position (GRCh38, 1-based): chr10:76,944,837, C>T on the plus strand (G>A on the coding strand, the complement: KCNMA1 is on the minus strand). VCF-style: chr10-76944837-C-T. GRCh37 (hg19) VCF-style: chr10-78704595-C-T.
Other names: c.2676G>A, p.Ala892= (NM_001014797.3, NM_001322835.2, NM_001322837.2); c.2787G>A, p.Ala929= (NM_001161353.2); c.2514G>A, p.Ala838= (NM_001271518.2); c.2673G>A, p.Ala891= (NM_001271519.2, NM_001322829.2, NM_001322836.2); c.2685G>A, p.Ala895= (NM_001322830.2); c.2664G>A, p.Ala888= (NM_001322832.2, NM_002247.4); c.2211G>A, p.Ala737= (NM_001322838.2).
Identifiers: ClinVar variation 532956 (VCV000532956.18), dbSNP rs113441525, ClinGen allele CA5567983.

ClinVar aggregate classification (germline): Conflicting classifications of pathogenicity. Review status: criteria provided, conflicting classifications (1 of 4 stars). 4 submissions from 4 submitters: Uncertain significance (1); Benign (1); Likely benign (2). Last evaluated 2026-04-01.

Conditions:
Generalized epilepsy-paroxysmal dyskinesia syndrome (PNKD3). Also called: Generalized epilepsy and paroxysmal dyskinesia; Paroxysmal nonkinesigenic dyskinesia, 3, with or without generalized epilepsy. Identifiers: Orphanet 79137, MedGen C5574945, MONDO:0012276, OMIM 609446.

Allele frequency attached by ClinVar (database versions not stated): gnomAD exomes 0.00007 and 0.00016; ESP Exome Variant Server 0.00008; gnomAD 0.00010 and 0.00011; ExAC 0.00011; TOPMed 0.00015.
gnomAD v4.1: 127 of 1,614,144 alleles (0.0079%); highest among the groups gnomAD compares: Admixed American, 0.092%; no homozygotes.

Submissions (4):

CeGaT Center for Human Genetics Tuebingen
Classification: Uncertain significance. Last evaluated: 2026-04-01. Review status: criteria provided, single submitter. Criteria: CeGaT Center For Human Genetics Tuebingen Variant Classification Criteria Version 2. Collection method: clinical testing. Allele origin: germline. Affected: yes. Observed: 1 variant allele.
Comment: KCNMA1: PM2, BP4

Labcorp Genetics (formerly Invitae), Labcorp
Classification: Likely benign for Generalized epilepsy-paroxysmal dyskinesia syndrome. Last evaluated: 2026-01-24. Review status: criteria provided, single submitter. Criteria: Invitae Variant Classification Sherloc (09022015). Collection method: clinical testing. Allele origin: germline.

Athena Diagnostics
Classification: Benign. Last evaluated: 2024-12-02. Review status: criteria provided, single submitter. Criteria: Athena Diagnostics Criteria. Collection method: clinical testing. Allele origin: unknown.
Comment: The frequency of this variant in the general population is higher than would generally be expected for pathogenic variants in this gene. Computational tools yielded predictions that this variant is unlikely to have an effect on normal RNA splicing.

GeneDx
Classification: Likely benign. Last evaluated: 2021-01-06. Review status: criteria provided, single submitter. Criteria: GeneDx Variant Classification Process June 2021. Collection method: clinical testing. Allele origin: germline. Affected: yes.